The following is an entry in ClinVar:

NM_001849.4(COL6A2):c.2426C>T (p.Pro809Leu)

Gene: COL6A2 (collagen type VI alpha 2 chain; plus strand). Cytogenetic location: 21q22.3.
Variant type: single nucleotide variant.
Coding change: c.2426C>T on transcript NM_001849.4 (MANE Select); coding-DNA position 2426, C replaced by T.
Protein change: p.Pro809Leu; replaces proline 809 with leucine.
Molecular consequence: missense variant.
Genome position (GRCh38, 1-based): chr21:46,126,506, C>T. VCF-style: chr21-46126506-C-T. GRCh37 (hg19) VCF-style: chr21-47546420-C-T.
Other names: c.2426C>T, p.Pro809Leu (NM_058174.3, NM_058175.3); short protein forms P809L.
Identifiers: ClinVar variation 1720424 (VCV001720424.7), dbSNP rs1373149520, ClinGen allele CA410543478.

ClinVar aggregate classification (germline): Uncertain significance. Review status: criteria provided, multiple submitters, no conflicts (2 of 4 stars). 2 submissions from 2 submitters: Uncertain significance (2). Last evaluated 2024-09-17.

Conditions:
Bethlem myopathy 1A. Also called: MYOPATHY, BENIGN CONGENITAL, WITH CONTRACTURES; Bethlem Muscular Dystrophy; Bethlem myopathy 1. Identifiers: Orphanet 610, MedGen CN029274, MONDO:0024530, OMIM 158810.

Allele frequency attached by ClinVar (database versions not stated): TOPMed below 0.00001; gnomAD 0.00001.
gnomAD v4.1: 8 of 1,611,756 alleles (0.0005%); highest among the groups gnomAD compares: Non-Finnish European, 0.00059%; no homozygotes.

Submissions (2):

GeneDx
Classification: Uncertain significance. Last evaluated: 2024-09-17. Review status: criteria provided, single submitter. Criteria: GeneDx Variant Classification Process June 2021. Collection method: clinical testing. Allele origin: germline. Affected: yes.
Comment: Not observed at significant frequency in large population cohorts (gnomAD); In silico analysis supports that this missense variant has a deleterious effect on protein structure/function; Has not been previously published as pathogenic or benign to our knowledge

Labcorp Genetics (formerly Invitae), Labcorp
Classification: Uncertain significance for Bethlem myopathy 1A. Last evaluated: 2022-09-26. Review status: criteria provided, single submitter. Criteria: Invitae Variant Classification Sherloc (09022015). Collection method: clinical testing. Allele origin: germline.
Comment: Advanced modeling of protein sequence and biophysical properties (such as structural, functional, and spatial information, amino acid conservation, physicochemical variation, residue mobility, and thermodynamic stability) performed at Invitae indicates that this missense variant is not expected to disrupt COL6A2 protein function. This sequence change replaces proline, which is neutral and non-polar, with leucine, which is neutral and non-polar, at codon 809 of the COL6A2 protein (p.Pro809Leu). This variant is not present in population databases (gnomAD no frequency). This variant has not been reported in the literature in individuals affected with COL6A2-related conditions. In summary, the available evidence is currently insufficient to determine the role of this variant in disease. Therefore, it has been classified as a Variant of Uncertain Significance.